The following is an entry in ClinVar:

NM_000138.5(FBN1):c.2682_2685del (p.Ile895fs)

Gene: FBN1 (fibrillin 1; minus strand). Cytogenetic location: 15q21.1.
Variant type: Deletion.
Coding change: c.2682_2685del on transcript NM_000138.5 (MANE Select); coding-DNA positions 2682 to 2685, 4 bases deleted (CATA; older notation c.2682_2685delCATA).
Protein change: p.Ile895fs; shifts the reading frame from isoleucine 895.
Molecular consequence: frameshift variant.
Genome position (GRCh38, 1-based): chr15:48,494,247-48,494,250, TATG deleted on the plus strand (CATA on the coding strand, the reverse complement: FBN1 is on the minus strand). VCF-style (leftmost placement, unchanged base first): chr15-48494246-ATATG-A. GRCh37 (hg19) VCF-style: chr15-48786443-ATATG-A.
Other names: short protein forms I895fs.
Identifiers: ClinVar variation 1072265 (VCV001072265.2), dbSNP rs2141302451, ClinGen allele CA2499223001.

ClinVar aggregate classification (germline): Pathogenic (1 of 4 stars; one submission).

Conditions:
Familial thoracic aortic aneurysm and aortic dissection (TAAD). Also called: Thoracic aortic aneurysms and dissections. Identifiers: Orphanet 91387, MedGen C4707243, MONDO:0019625.
Marfan syndrome (MFS). Also called: Marfan syndrome type 1; Marfan's syndrome; Marfan syndrome, classic; MARFAN SYNDROME, TYPE I; FBN1-Related Marfan Syndrome. Identifiers: Orphanet 284963, Orphanet 558, MedGen C0024796, MONDO:0007947, OMIM 154700.

Submission:

Labcorp Genetics (formerly Invitae), Labcorp
Classification: Pathogenic for Marfan syndrome; Familial thoracic aortic aneurysm and aortic dissection. Last evaluated: 2018-07-16. Review status: criteria provided, single submitter. Criteria: Invitae Variant Classification Sherloc (09022015). Collection method: clinical testing. Allele origin: germline.
Comment: This sequence change creates a premature translational stop signal (p.Ile895Leufs*16) in the FBN1 gene. It is expected to result in an absent or disrupted protein product. This variant is not present in population databases (ExAC no frequency). This variant has not been reported in the literature in individuals with FBN1-related disease. Loss-of-function variants in FBN1 are known to be pathogenic (PMID: 17657824, 19293843). For these reasons, this variant has been classified as Pathogenic.

Literature cited by the submitters: PubMed 17657824; PubMed 19293843.